The following is an entry in ClinVar:

ClinVar aggregate classification (germline): Uncertain significance (1 of 4 stars; one submission).

Conditions:
Brody myopathy. Also called: BRODY DISEASE. Identifiers: Orphanet 53347, MedGen C1832918, MONDO:0010977, OMIM 601003.

Allele frequency attached by ClinVar (database versions not stated): gnomAD exomes 0.00001.
gnomAD v4.1: 3 of 1,614,206 alleles (0.00019%); highest among the groups gnomAD compares: East Asian, 0.0022%; no homozygotes.

Submission:

Labcorp Genetics (formerly Invitae), Labcorp
Classification: Uncertain significance for Brody myopathy. Last evaluated: 2022-11-01. Review status: criteria provided, single submitter. Criteria: Invitae Variant Classification Sherloc (09022015). Collection method: clinical testing. Allele origin: germline.
Comment: In summary, the available evidence is currently insufficient to determine the role of this variant in disease. Therefore, it has been classified as a Variant of Uncertain Significance. Algorithms developed to predict the effect of missense changes on protein structure and function are either unavailable or do not agree on the potential impact of this missense change (SIFT: "Deleterious"; PolyPhen-2: "Benign"; Align-GVGD: "Class C0"). ClinVar contains an entry for this variant (Variation ID: 1406712). This variant has not been reported in the literature in individuals affected with ATP2A1-related conditions. This variant is not present in population databases (gnomAD no frequency). This sequence change replaces glutamic acid, which is acidic and polar, with lysine, which is basic and polar, at codon 121 of the ATP2A1 protein (p.Glu121Lys).

NM_004320.6(ATP2A1):c.361G>A (p.Glu121Lys)

Gene: ATP2A1 (ATPase sarcoplasmic/endoplasmic reticulum Ca2+ transporting 1; plus strand). Cytogenetic location: 16p11.2.
Variant type: single nucleotide variant.
Coding change: c.361G>A on transcript NM_004320.6 (MANE Select); coding-DNA position 361, G replaced by A.
Protein change: p.Glu121Lys; replaces glutamic acid 121 with lysine.
Molecular consequence: missense variant. On other transcripts: 5 prime UTR variant (1).
Genome position (GRCh38, 1-based): chr16:28,882,487, G>A. VCF-style: chr16-28882487-G-A. GRCh37 (hg19) VCF-style: chr16-28893808-G-A.
Other names: c.-15G>A (NM_001286075.2); c.361G>A, p.Glu121Lys (NM_173201.5); short protein forms E121K.
Identifiers: ClinVar variation 1406712 (VCV001406712.7), dbSNP rs560022895, ClinGen allele CA395401097.
Genomic context (GRCh38, chr16:28,882,487, plus strand): 5'-GCCTCCTCCACCCTGTCTCCTCAGGAGCGGAACGCAGAGAACGCCATCGAGGCCCTGAAG[G>A]AGTATGAGCCAGAGATGGGGAAGGTCTACCGGGCTGACCGCAAGTCAGTGCAAAGGATCA-3'
Protein context (NP_004311.1, residues 111-131): NAENAIEALK[Glu121Lys]YEPEMGKVYR